The following is an entry in ClinVar:

NM_006421.5(ARFGEF1):c.3212G>A (p.Gly1071Glu)

Gene: ARFGEF1 (ARF guanine nucleotide exchange factor 1; minus strand). Cytogenetic location: 8q13.2.
Variant type: single nucleotide variant.
Coding change: c.3212G>A on transcript NM_006421.5 (MANE Select); coding-DNA position 3212, G replaced by A.
Protein change: p.Gly1071Glu; replaces glycine 1071 with glutamic acid.
Molecular consequence: missense variant. On other transcripts: non-coding transcript variant (1).
Genome position (GRCh38, 1-based): chr8:67,238,420, C>T on the plus strand (G>A on the coding strand, the complement: ARFGEF1 is on the minus strand). VCF-style: chr8-67238420-C-T. GRCh37 (hg19) VCF-style: chr8-68150655-C-T.
Other names: c.3212G>A (NM_006421.4); c.3212G>A, p.Gly1071Glu (NM_001413184.1, NM_001413185.1, NM_001413186.1 and 6 more transcripts); c.2612G>A, p.Gly871Glu (NM_001413188.1, NM_001413193.1, NM_001413197.1); c.3206G>A, p.Gly1069Glu (NM_001413190.1); c.1787G>A, p.Gly596Glu (NM_001413196.1); short protein forms G1069E, G1071E, G596E, G871E.
Identifiers: ClinVar variation 2691370 (VCV002691370.3), dbSNP rs1376978967, ClinGen allele CA371206562.

ClinVar aggregate classification (germline): Uncertain significance. Review status: criteria provided, multiple submitters, no conflicts (2 of 4 stars). 2 submissions from 2 submitters: Uncertain significance (2). Last evaluated 2025-09-04.

Conditions:
Inborn genetic diseases. Identifiers: MedGen C0950123, MeSH D030342.

Allele frequency attached by ClinVar (database versions not stated): gnomAD 0.00001; gnomAD exomes 0.00001; TOPMed 0.00001.
gnomAD v4.1: 11 of 1,613,898 alleles (0.00068%); highest among the groups gnomAD compares: Non-Finnish European, 0.00093%; no homozygotes.

Submissions (2):

Ambry Genetics
Classification: Uncertain significance for Inborn genetic diseases. Last evaluated: 2025-09-04. Review status: criteria provided, single submitter. Criteria: Ambry Variant Classification Scheme 2023. Collection method: clinical testing. Allele origin: germline.

Women's Health and Genetics/Laboratory Corporation of America, LabCorp
Classification: Uncertain significance. Last evaluated: 2024-10-10. Review status: criteria provided, single submitter. Criteria: LabCorp Variant Classification Summary - May 2015. Collection method: clinical testing. Allele origin: germline.
Comment: Variant summary: ARFGEF1 c.3212G>A (p.Gly1071Glu) results in a non-conservative amino acid change in the encoded protein sequence. Four of five in-silico tools predict a damaging effect of the variant on protein function. The variant was absent in 250976 control chromosomes. The available data on variant occurrences in the general population are insufficient to allow any conclusion about variant significance. To our knowledge, no occurrence of c.3212G>A in individuals affected with Developmental Delay, Impaired Speech, And Behavioral Abnormalities, With Or Without Seizures and no experimental evidence demonstrating its impact on protein function have been reported. No submitters have cited clinical-significance assessments for this variant to ClinVar. Based on the evidence outlined above, the variant was classified as uncertain significance.